The following is an entry in ClinVar:

NM_000821.7(GGCX):c.885C>G (p.Ser295Arg)

Gene: GGCX (gamma-glutamyl carboxylase; minus strand). Cytogenetic location: 2p11.2.
Variant type: single nucleotide variant.
Coding change: c.885C>G on transcript NM_000821.7 (MANE Select); coding-DNA position 885, C replaced by G.
Protein change: p.Ser295Arg; replaces serine 295 with arginine.
Molecular consequence: missense variant.
Genome position (GRCh38, 1-based): chr2:85,554,147, G>C on the plus strand (C>G on the coding strand, the complement: GGCX is on the minus strand). VCF-style: chr2-85554147-G-C. GRCh37 (hg19) VCF-style: chr2-85781270-G-C.
Other names: c.885C>G (NM_000821.6); c.714C>G, p.Ser238Arg (NM_001142269.4); short protein forms S238R, S295R.
Identifiers: ClinVar variation 2373531 (VCV002373531.3), dbSNP rs374579598, ClinGen allele CA1741998.

ClinVar aggregate classification (germline): Uncertain significance. Review status: criteria provided, multiple submitters, no conflicts (2 of 4 stars). 2 submissions from 2 submitters: Uncertain significance (2). Last evaluated 2023-06-07.

Conditions:
Inborn genetic diseases. Identifiers: MedGen C0950123, MeSH D030342.
GGCX-related disorder. Also called: GGCX-related condition; GGCX - Related Disorders.

Allele frequency attached by ClinVar (database versions not stated): ExAC 0.00002; gnomAD 0.00003; TOPMed 0.00003; gnomAD exomes 0.00007; ESP Exome Variant Server 0.00008.

Submissions (2):

PreventionGenetics, part of Exact Sciences
Classification: Uncertain significance for GGCX-related condition. Last evaluated: 2023-06-07. Review status: criteria provided, single submitter. Criteria: ACMG Guidelines, 2015. Collection method: clinical testing. Allele origin: germline.
Comment: The GGCX c.885C>G variant is predicted to result in the amino acid substitution p.Ser295Arg. To our knowledge, this variant has not been reported in the literature. This variant is reported in 0.0053% of alleles in individuals of European (Non-Finnish) descent in gnomAD. At this time, the clinical significance of this variant is uncertain due to the absence of conclusive functional and genetic evidence.

Ambry Genetics
Classification: Uncertain significance for Inborn genetic diseases. Last evaluated: 2021-08-09. Review status: criteria provided, single submitter. Criteria: Ambry Variant Classification Scheme 2023. Collection method: clinical testing. Allele origin: germline.